The following is an entry in ClinVar:

ClinVar aggregate classification (germline): Uncertain significance. Review status: criteria provided, multiple submitters, no conflicts (2 of 4 stars). 5 submissions from 5 submitters: Uncertain significance (5). Last evaluated 2025-10-05.

Conditions:
Cardiovascular phenotype. Identifiers: MedGen CN230736.
Dilated cardiomyopathy 1W (CMD1W). Identifiers: Orphanet 154, MedGen C1969639, MONDO:0012667, OMIM 611407.

Allele frequency attached by ClinVar (database versions not stated): gnomAD 0.00002 and 0.00003; gnomAD exomes 0.00002 and 0.00003; TOPMed 0.00002; ExAC 0.00003.
gnomAD v4.1: 50 of 1,613,704 alleles (0.0031%); highest among the groups gnomAD compares: Non-Finnish European, 0.004%; no homozygotes.

Submissions (5):

Labcorp Genetics (formerly Invitae), Labcorp
Classification: Uncertain significance for Dilated cardiomyopathy 1W. Last evaluated: 2025-10-05. Review status: criteria provided, single submitter. Criteria: Invitae Variant Classification Sherloc (09022015). Collection method: clinical testing. Allele origin: germline.
Comment: This sequence change replaces arginine, which is basic and polar, with cysteine, which is neutral and slightly polar, at codon 339 of the VCL protein (p.Arg339Cys). This variant is present in population databases (rs759961842, gnomAD 0.005%). This variant has not been reported in the literature in individuals affected with VCL-related conditions. ClinVar contains an entry for this variant (Variation ID: 202155). An algorithm developed to predict the effect of missense changes on protein structure and function (PolyPhen-2) suggests that this variant is likely to be disruptive. In summary, the available evidence is currently insufficient to determine the role of this variant in disease. Therefore, it has been classified as a Variant of Uncertain Significance.

Ambry Genetics
Classification: Uncertain significance for Cardiovascular phenotype. Last evaluated: 2025-04-18. Review status: criteria provided, single submitter. Criteria: Ambry Variant Classification Scheme 2023. Collection method: clinical testing. Allele origin: germline.

Blueprint Genetics
Classification: Uncertain significance. Last evaluated: 2022-01-10. Review status: criteria provided, single submitter. Criteria: ACMG Guidelines, 2015. Collection method: clinical testing. Allele origin: germline.

Illumina Laboratory Services, Illumina
Classification: Uncertain significance for Dilated cardiomyopathy 1W. Last evaluated: 2018-01-13. Review status: criteria provided, single submitter. Criteria: ICSL Variant Classification Criteria 13 December 2019. Collection method: clinical testing. Allele origin: germline.

GeneDx
Classification: Uncertain significance. Last evaluated: 2014-05-24. Review status: criteria provided, single submitter. Criteria: GeneDx Variant Classification (06012015). Collection method: clinical testing. Allele origin: germline. Affected: yes.
Comment: p.Arg339Cys (CGT>TGT): c.1015 C>T in exon 8 of the VCL gene (NM_014000.2). Although rare, mutations in the VCL gene have been reported in association with DCM (Maeda M et al., 1997; Olson T et al., 2002). The R339C variant has not been published as a mutation or as a benign polymorphism to our knowledge. The R339C variant was not observed in approximately 6,500 individuals of European and African American ancestry in the NHLBI Exome Sequencing Project, indicating it is not a common benign variant in these populations. In addition, the R339C variant is a non-conservative amino acid substitution, which is likely to impact secondary protein structure as these residues differ in polarity, charge, size and/or other properties. This substitution occurs at a position that is conserved across species. Furthermore, in silico analysis predicts this variant is probably damaging to the protein structure/function. However, no missense mutations in nearby residues have been reported in association with DCM, supporting the functional importance of this region of the protein.Therefore, based on the currently available information, it is unclear whether this variant is a pathogenic mutation or a rare benign variant. The variant is found in CARDIOMYOPATHY panel(s).

NM_014000.3(VCL):c.1015C>T (p.Arg339Cys)

Gene: VCL (vinculin; plus strand). Cytogenetic location: 10q22.2.
Variant type: single nucleotide variant.
Coding change: c.1015C>T on transcript NM_014000.3 (MANE Select); coding-DNA position 1015, C replaced by T.
Protein change: p.Arg339Cys; replaces arginine 339 with cysteine.
Molecular consequence: missense variant.
Genome position (GRCh38, 1-based): chr10:74,083,506, C>T. VCF-style: chr10-74083506-C-T. GRCh37 (hg19) VCF-style: chr10-75843264-C-T.
Other names: p.R339C:CGT>TGT; c.1015C>T, p.Arg339Cys (NM_003373.4); short protein forms R339C.
Identifiers: ClinVar variation 202155 (VCV000202155.17), dbSNP rs759961842, ClinGen allele CA335619.
Genomic context (GRCh38, chr10:74,083,506, plus strand): 5'-AGGGAGATTCTGGGAACTTGCAAAATGCTAGGGCAGATGACTGATCAAGTGGCTGACCTC[C>T]GTGCCAGGTAAAAGTTCCTCTGTCCTTACAGAGCAGTAGTGGGTAACTCACTCCTAACAG-3'
Protein context (NP_054706.1, residues 329-349): GQMTDQVADL[Arg339Cys]ARGQGSSPVA